The following is an entry in ClinVar:

ClinVar aggregate classification (germline): Uncertain significance (1 of 4 stars; one submission).

gnomAD v4.1: 2 of 1,612,548 alleles (0.00012%); highest among the groups gnomAD compares: Middle Eastern, 0.017%; no homozygotes.

Submission:

Labcorp Genetics (formerly Invitae), Labcorp
Classification: Uncertain significance. Last evaluated: 2024-10-08. Review status: criteria provided, single submitter. Criteria: Invitae Variant Classification Sherloc (09022015). Collection method: clinical testing. Allele origin: germline.
Comment: This sequence change replaces aspartic acid, which is acidic and polar, with glutamic acid, which is acidic and polar, at codon 1538 of the ANK1 protein (p.Asp1538Glu). This variant is not present in population databases (gnomAD no frequency). This variant has not been reported in the literature in individuals affected with ANK1-related conditions. An algorithm developed to predict the effect of missense changes on protein structure and function (PolyPhen-2) suggests that this variant is likely to be disruptive. In summary, the available evidence is currently insufficient to determine the role of this variant in disease. Therefore, it has been classified as a Variant of Uncertain Significance.

NM_000037.4(ANK1):c.4614C>A (p.Asp1538Glu)

Gene: ANK1 (ankyrin 1; minus strand). Cytogenetic location: 8p11.21.
Variant type: single nucleotide variant.
Coding change: c.4614C>A on transcript NM_000037.4 (MANE Select); coding-DNA position 4614, C replaced by A.
Protein change: p.Asp1538Glu; replaces aspartic acid 1538 with glutamic acid.
Molecular consequence: missense variant. On other transcripts: intron variant (1).
Genome position (GRCh38, 1-based): chr8:41,672,836, G>T on the plus strand (C>A on the coding strand, the complement: ANK1 is on the minus strand). VCF-style: chr8-41672836-G-T. GRCh37 (hg19) VCF-style: chr8-41530354-G-T.
Other names: c.4737C>A, p.Asp1579Glu (NM_001142446.2); c.4614C>A, p.Asp1538Glu (NM_020475.3, NM_020476.3); c.4538-410C>A (NM_020477.3); short protein forms D1579E, D1538E.
Identifiers: ClinVar variation 3695605 (VCV003695605.2).